The following is an entry in ClinVar:

NM_001205293.3(CACNA1E):c.1935A>G (p.Ala645=)

Gene: CACNA1E (calcium voltage-gated channel subunit alpha1 E; plus strand). Cytogenetic location: 1q25.3.
Variant type: single nucleotide variant.
Coding change: c.1935A>G on transcript NM_001205293.3 (MANE Select); coding-DNA position 1935, A replaced by G.
Protein change: p.Ala645=; no amino-acid change (alanine 645 retained).
Molecular consequence: synonymous variant.
Genome position (GRCh38, 1-based): chr1:181,720,834, A>G. VCF-style: chr1-181720834-A-G. GRCh37 (hg19) VCF-style: chr1-181689970-A-G.
Other names: c.1935A>G, p.Ala645= (NM_000721.4, NM_001205294.2).
Identifiers: ClinVar variation 752993 (VCV000752993.37), dbSNP rs183395195, ClinGen allele CA1275211.

ClinVar aggregate classification (germline): Benign/Likely benign. Review status: criteria provided, multiple submitters, no conflicts (2 of 4 stars). 5 submissions from 5 submitters: Benign (2); Likely benign (3). Last evaluated 2026-06-01.

Conditions:
Developmental and epileptic encephalopathy, 69. Also called: EPILEPTIC ENCEPHALOPATHY, EARLY INFANTILE, 69. Identifiers: MedGen C4748988, MONDO:0032657, OMIM 618285.

Allele frequency attached by ClinVar (database versions not stated): ExAC 0.00107; gnomAD 0.00109 and 0.00114; TOPMed 0.00114; ESP Exome Variant Server 0.00133; 1000 Genomes Project 30x 0.00031; 1000 Genomes Project 0.00040; gnomAD exomes 0.00100 and 0.00140.
gnomAD v4.1: 2,189 of 1,612,066 alleles (0.14%); highest among the groups gnomAD compares: Middle Eastern, 0.2%; 1 homozygote.

Submissions (5):

CeGaT Center for Human Genetics Tuebingen
Classification: Likely benign. Last evaluated: 2026-06-01. Review status: criteria provided, single submitter. Criteria: CeGaT Center For Human Genetics Tuebingen Variant Classification Criteria Version 2. Collection method: clinical testing. Allele origin: germline. Affected: yes. Observed: 10 variant alleles.
Comment: CACNA1E: BP4, BP7, BS1

Labcorp Genetics (formerly Invitae), Labcorp
Classification: Likely benign. Last evaluated: 2026-02-03. Review status: criteria provided, single submitter. Criteria: Invitae Variant Classification Sherloc (09022015). Collection method: clinical testing. Allele origin: germline.

Blueprint Genetics
Classification: Likely benign. Last evaluated: 2024-11-26. Review status: criteria provided, single submitter. Criteria: ACMG Guidelines, 2015. Collection method: clinical testing. Allele origin: germline.

Genome-Nilou Lab
Classification: Benign for Developmental and epileptic encephalopathy, 69. Last evaluated: 2023-04-11. Review status: criteria provided, single submitter. Criteria: ACMG Guidelines, 2015. Collection method: clinical testing. Allele origin: germline. Affected: no.

GeneDx
Classification: Benign. Last evaluated: 2021-05-09. Review status: criteria provided, single submitter. Criteria: GeneDx Variant Classification Process June 2021. Collection method: clinical testing. Allele origin: germline. Affected: yes.